The following is an entry in ClinVar:

ClinVar aggregate classification (germline): Likely benign. Review status: criteria provided, multiple submitters, no conflicts (2 of 4 stars). 3 submissions from 3 submitters: Likely benign (3). Last evaluated 2023-11-15.

Conditions:
Cardiomyopathy (CMYO). Also called: Cardiomyopathies. Identifiers: Orphanet 167848, MedGen C0878544, MONDO:0004994, HP:0001638. Inheritance: Various modes of inheritance.
Hypertrophic cardiomyopathy. Also called: HYPERTROPHIC MYOCARDIOPATHY. Identifiers: Orphanet 217569, MedGen C0007194, MeSH D002312, MONDO:0005045, HP:0001639.

gnomAD v4.1: 2 of 1,613,318 alleles (0.00012%); highest among the groups gnomAD compares: South Asian, 0.0011%; no homozygotes.

Submissions (3):

Labcorp Genetics (formerly Invitae), Labcorp
Classification: Likely benign for Hypertrophic cardiomyopathy. Last evaluated: 2023-11-15. Review status: criteria provided, single submitter. Criteria: Invitae Variant Classification Sherloc (09022015). Collection method: clinical testing. Allele origin: germline.

All of Us Research Program, National Institutes of Health
Classification: Likely benign for Hypertrophic cardiomyopathy. Last evaluated: 2023-11-02. Review status: criteria provided, single submitter. Criteria: ACMG Guidelines, 2015. Collection method: clinical testing. Allele origin: germline. Inheritance: Autosomal dominant inheritance. Observed: 1 variant allele, 1 heterozygote.
Comment: This study involves interpretation of variants in research participants for the purpose of population health screening. Participant phenotype was not available at the time of variant classification. Additional details can be found in publication PMID: 35346344, PMCID: PMC8962531

Color Diagnostics, LLC DBA Color Health
Classification: Likely benign for Cardiomyopathy. Last evaluated: 2023-10-25. Review status: criteria provided, single submitter. Criteria: ACMG Guidelines, 2015. Collection method: clinical testing. Allele origin: germline.

NM_001018005.2(TPM1):c.51C>T (p.Asn17=)

Gene: TPM1 (tropomyosin 1; plus strand). Cytogenetic location: 15q22.2.
Variant type: single nucleotide variant.
Coding change: c.51C>T on transcript NM_001018005.2 (MANE Select); coding-DNA position 51, C replaced by T.
Protein change: p.Asn17=; no amino-acid change (asparagine 17 retained).
Molecular consequence: synonymous variant.
Genome position (GRCh38, 1-based): chr15:63,042,880, C>T. VCF-style: chr15-63042880-C-T. GRCh37 (hg19) VCF-style: chr15-63335079-C-T.
Other names: c.51C>T, p.Asn17= (NM_000366.6, NM_001018004.2, NM_001018006.2 and 7 more transcripts).
Identifiers: ClinVar variation 1102187 (VCV001102187.10), dbSNP rs878854150, ClinGen allele CA490677846.
Genomic context (GRCh38, chr15:63,042,880, plus strand): 5'-CGCCGCCACCATGGACGCCATCAAGAAGAAGATGCAGATGCTGAAGCTCGACAAGGAGAA[C>T]GCCTTGGATCGAGCTGAGCAGGCGGAGGCCGACAAGAAGGCGGCGGAAGACAGGAGCAAG-3'
Protein context (NP_001018005.1, residues 7-27): KMQMLKLDKE[Asn17=]ALDRAEQAEA